The following is an entry in ClinVar:

NM_000393.5(COL5A2):c.564C>G (p.Ser188Arg)

Gene: COL5A2 (collagen type V alpha 2 chain; minus strand). Cytogenetic location: 2q32.2.
Variant type: single nucleotide variant.
Coding change: c.564C>G on transcript NM_000393.5 (MANE Select); coding-DNA position 564, C replaced by G.
Protein change: p.Ser188Arg; replaces serine 188 with arginine.
Molecular consequence: missense variant.
Genome position (GRCh38, 1-based): chr2:189,092,313, G>C on the plus strand (C>G on the coding strand, the complement: COL5A2 is on the minus strand). VCF-style: chr2-189092313-G-C. GRCh37 (hg19) VCF-style: chr2-189957039-G-C.
Other names: short protein forms S188R.
Identifiers: ClinVar variation 4766111 (VCV004766111.1).
Genomic context (GRCh38, chr2:189,092,313, plus strand): 5'-ATATCAATAATTTAAAACATGACCTGTACGTGACATCAAACAATGCACACAACTCACCCT[G>C]CTCAAGCCATCGGGTCCTGGGTGGGACGGATGTCCAGGAGGTCCTGGAGCACCAGGTTGA-3'
Protein context (NP_000384.2, residues 178-198): HPSHPGPDGL[Ser188Arg]RPFSAQMAGL

ClinVar aggregate classification (germline): Uncertain significance (1 of 4 stars; one submission).

Conditions:
Ehlers-Danlos syndrome, classic type, 1 (EDSCL1). Also called: EHLERS-DANLOS SYNDROME, GRAVIS TYPE; EHLERS-DANLOS SYNDROME, SEVERE CLASSIC TYPE; Ehlers-Danlos syndrome, type 1; Ehlers-Danlos Syndrome, Classic Type, COL5A1-Related; EDS I. Identifiers: MedGen C0268335, MONDO:0019567, OMIM 130000.

Submission:

Labcorp Genetics (formerly Invitae), Labcorp
Classification: Uncertain significance for Ehlers-Danlos syndrome, classic type, 1. Last evaluated: 2025-12-31. Review status: criteria provided, single submitter. Criteria: Invitae Variant Classification Sherloc (09022015). Collection method: clinical testing. Allele origin: germline.
Comment: This sequence change replaces serine, which is neutral and polar, with arginine, which is basic and polar, at codon 188 of the COL5A2 protein (p.Ser188Arg). This variant is not present in population databases (gnomAD no frequency). This variant has not been reported in the literature in individuals affected with COL5A2-related conditions. Invitae Evidence Modeling of protein sequence and biophysical properties (such as structural, functional, and spatial information, amino acid conservation, physicochemical variation, residue mobility, and thermodynamic stability) indicates that this missense variant is not expected to disrupt COL5A2 protein function with a negative predictive value of 95%. In summary, the available evidence is currently insufficient to determine the role of this variant in disease. Therefore, it has been classified as a Variant of Uncertain Significance.